The following is an entry in ClinVar:

ClinVar aggregate classification (germline): Pathogenic/Likely pathogenic. Review status: criteria provided, multiple submitters, no conflicts (2 of 4 stars). 3 submissions from 3 submitters: Pathogenic (2); Likely pathogenic (1). Last evaluated 2025-10-20.

Conditions:
Pendred syndrome (PDS). Also called: THYROID DYSHORMONOGENESIS 2B; THYROID HORMONOGENESIS, GENETIC DEFECT IN, 2B; DEAFNESS WITH GOITER; GOITER-DEAFNESS SYNDROME; Pendred Syndrome (PDS); HYPOTHYROIDISM, CONGENITAL, DUE TO DYSHORMONOGENESIS, 2B. Identifiers: Orphanet 705, MedGen C0271829, MONDO:0010134, OMIM 274600.
Hearing impairment. Also called: Impaired Hearing. Identifiers: MedGen C1384666, MONDO:0005365, HP:0000365.

gnomAD v4.1: 2 of 1,612,656 alleles (0.00012%); highest among the groups gnomAD compares: South Asian, 0.0011%; no homozygotes.

Submissions (3):

Natera, Inc.
Classification: Likely pathogenic for Pendred syndrome. Last evaluated: 2025-10-20. Review status: criteria provided, single submitter. Criteria: Natera Variant Classification Schema (03/2026). Collection method: clinical testing. Allele origin: germline.
Comment: The c.1416G>A variant in SLC26A4 is a nonsense variant predicted to introduce a stop codon at amino acid 472. This variant is expected to result in nonsense mediated decay, truncation, or a dysfunctional protein product. This variant is rare in the general population with a frequency below the threshold expected for the associated phenotype(s). Given the available evidence, this variant is classified as Likely Pathogenic.

Labcorp Genetics (formerly Invitae), Labcorp
Classification: Pathogenic. Last evaluated: 2024-03-13. Review status: criteria provided, single submitter. Criteria: Invitae Variant Classification Sherloc (09022015). Collection method: clinical testing. Allele origin: germline.
Comment: This sequence change creates a premature translational stop signal (p.Trp472*) in the SLC26A4 gene. It is expected to result in an absent or disrupted protein product. Loss-of-function variants in SLC26A4 are known to be pathogenic (PMID: 16283880, 25394566, 26252218, 26445815). This variant is not present in population databases (gnomAD no frequency). This premature translational stop signal has been observed in individual(s) with deafness (PMID: 23638949). ClinVar contains an entry for this variant (Variation ID: 1878506). For these reasons, this variant has been classified as Pathogenic.

Cytogenetics and Molecular Genetics Section, Pathology Unit, BARC Hospital, Bhabha Atomic Research Centre
Classification: Pathogenic for Hearing impairment. Last evaluated: 2021-12-15. Review status: criteria provided, single submitter. Criteria: ACMG Guidelines, 2015. Collection method: research. Allele origin: germline. Inheritance: Autosomal recessive inheritance. Affected: yes and no. Observed: 1 heterozygote, 1 compound heterozygote.
Comment: The variant NM_000441.2(SLC26A4):c.1416G>A (p.Trp472Ter) in SLC26A4 gene is a novel variant and is absent from all known databases including ClinVar database. This novel variant changes the Tryptophan amino acid coding codon to stop codon which is already known as pathogenic variant [NM_000441.2(SLC26A4):c.1415G>A (p.Trp472Ter] reported in ClinVar database (Yao et al. 2013). The variant NM_000441.2(SLC26A4):c.1416G>A (p.Trp472Ter) meets our criteria to be classified as pathogenic based on the ACMG-2015 guidelines.

Literature cited by the submitters: PubMed 16283880 (cited by Labcorp Genetics (formerly Invitae), Labcorp); PubMed 25394566 (cited by Labcorp Genetics (formerly Invitae), Labcorp); PubMed 26252218 (cited by Labcorp Genetics (formerly Invitae), Labcorp); PubMed 26445815 (cited by Labcorp Genetics (formerly Invitae), Labcorp); PubMed 23638949 (cited by Labcorp Genetics (formerly Invitae), Labcorp).

NM_000441.2(SLC26A4):c.1416G>A (p.Trp472Ter)

Gene: SLC26A4 (solute carrier family 26 member 4; plus strand). Cytogenetic location: 7q22.3.
Variant type: single nucleotide variant.
Coding change: c.1416G>A on transcript NM_000441.2 (MANE Select); coding-DNA position 1416, G replaced by A.
Protein change: p.Trp472Ter; replaces tryptophan 472 with a stop codon.
Molecular consequence: nonsense.
Genome position (GRCh38, 1-based): chr7:107,694,695, G>A. VCF-style: chr7-107694695-G-A. GRCh37 (hg19) VCF-style: chr7-107335140-G-A.
Other names: c.1416G>A (NM_000441.1); short protein forms W472*.
Identifiers: ClinVar variation 1878506 (VCV001878506.7), dbSNP rs1020457079, ClinGen allele CA368840840.